The following is an entry in ClinVar:

ClinVar aggregate classification (germline): Uncertain significance. Review status: criteria provided, multiple submitters, no conflicts (2 of 4 stars). 3 submissions from 3 submitters: Uncertain significance (3). Last evaluated 2025-11-27.

Conditions:
Neuroblastoma, susceptibility to, 3. Also called: ALK-Related Neuroblastic Tumor Susceptibility. Identifiers: Orphanet 635, MedGen C2751681, MONDO:0013083, OMIM 613014.
Hereditary cancer-predisposing syndrome. Also called: Hereditary neoplastic syndrome; Neoplastic Syndromes, Hereditary; Hereditary Cancer Syndrome; Tumor predisposition. Identifiers: Orphanet 140162, MedGen C0027672, MeSH D009386, MONDO:0015356.

Allele frequency attached by ClinVar (database versions not stated): ExAC 0.00001.
gnomAD v4.1: 2 of 1,614,014 alleles (0.00012%); highest among the groups gnomAD compares: Non-Finnish European, 0.00017%; no homozygotes.

Submissions (3):

Ambry Genetics
Classification: Uncertain significance for Hereditary cancer-predisposing syndrome. Last evaluated: 2025-11-27. Review status: criteria provided, single submitter. Criteria: Ambry Variant Classification Scheme 2023. Collection method: clinical testing. Allele origin: germline.
Comment: The p.S1324C variant (also known as c.3971C>G), located in coding exon 27 of the ALK gene, results from a C to G substitution at nucleotide position 3971. The serine at codon 1324 is replaced by cysteine, an amino acid with dissimilar properties. This amino acid position is highly conserved in available vertebrate species. In addition, this alteration is predicted to be deleterious by in silico analysis. Since supporting evidence is limited at this time, the clinical significance of this alteration remains unclear.

Labcorp Genetics (formerly Invitae), Labcorp
Classification: Uncertain significance for Neuroblastoma, susceptibility to, 3. Last evaluated: 2025-11-24. Review status: criteria provided, single submitter. Criteria: Invitae Variant Classification Sherloc (09022015). Collection method: clinical testing. Allele origin: germline.
Comment: This sequence change replaces serine, which is neutral and polar, with cysteine, which is neutral and slightly polar, at codon 1324 of the ALK protein (p.Ser1324Cys). This variant is present in population databases (rs758127441, gnomAD 0.002%). This variant has not been reported in the literature in individuals affected with ALK-related conditions. ClinVar contains an entry for this variant (Variation ID: 573985). An algorithm developed to predict the effect of missense changes on protein structure and function (PolyPhen-2) suggests that this variant is likely to be disruptive. In summary, the available evidence is currently insufficient to determine the role of this variant in disease. Therefore, it has been classified as a Variant of Uncertain Significance.

Baylor Genetics
Classification: Uncertain significance for Neuroblastoma, susceptibility to, 3. Last evaluated: 2024-03-26. Review status: criteria provided, single submitter. Criteria: ACMG Guidelines, 2015. Collection method: clinical testing. Allele origin: unknown.

NM_004304.5(ALK):c.3971C>G (p.Ser1324Cys)

Gene: ALK (ALK receptor tyrosine kinase; minus strand). Cytogenetic location: 2p23.2.
Variant type: single nucleotide variant.
Coding change: c.3971C>G on transcript NM_004304.5 (MANE Select); coding-DNA position 3971, C replaced by G.
Protein change: p.Ser1324Cys; replaces serine 1324 with cysteine.
Molecular consequence: missense variant.
Genome position (GRCh38, 1-based): chr2:29,197,644, G>C on the plus strand (C>G on the coding strand, the complement: ALK is on the minus strand). VCF-style: chr2-29197644-G-C. GRCh37 (hg19) VCF-style: chr2-29420510-G-C.
Other names: c.767C>G, p.Ser256Cys (NM_001353765.2); short protein forms S1324C, S256C.
Identifiers: ClinVar variation 573985 (VCV000573985.15), dbSNP rs758127441, ClinGen allele CA1593706.